The following is an entry in ClinVar:

NM_001382567.1(STIM1):c.835A>G (p.Lys279Glu)

Gene: STIM1 (stromal interaction molecule 1; plus strand). Cytogenetic location: 11p15.4.
Variant type: single nucleotide variant.
Coding change: c.835A>G on transcript NM_001382567.1 (MANE Select); coding-DNA position 835, A replaced by G.
Protein change: p.Lys279Glu; replaces lysine 279 with glutamic acid.
Molecular consequence: missense variant.
Genome position (GRCh38, 1-based): chr11:4,074,545, A>G. VCF-style: chr11-4074545-A-G. GRCh37 (hg19) VCF-style: chr11-4095775-A-G.
Other names: c.613A>G, p.Lys205Glu (NM_001382578.1, NM_001382579.1, NM_001382566.1 and 5 more transcripts); c.346A>G, p.Lys116Glu (NM_001382580.1, NM_001382581.1); c.835A>G, p.Lys279Glu (NM_003156.4, NM_001277961.3, NM_001277962.2 and 2 more transcripts); c.700A>G, p.Lys234Glu (NM_001382569.1); c.607A>G, p.Lys203Glu (NM_001382570.1); c.355A>G, p.Lys119Glu (NM_001382571.1); short protein forms K116E, K119E, K203E, K205E, K234E, K279E.
Identifiers: ClinVar variation 3760970 (VCV003760970.2).

ClinVar aggregate classification (germline): Uncertain significance (1 of 4 stars; one submission).

Conditions:
Combined immunodeficiency due to STIM1 deficiency. Also called: STIM1 DEFICIENCY; IMMUNODEFICIENCY 10. Identifiers: Orphanet 169090, Orphanet 317430, MedGen C2748557, MONDO:0013008, OMIM 612783.
Stormorken syndrome (STRMK). Also called: THROMBOCYTOPATHY, ASPLENIA, AND MIOSIS. Identifiers: Orphanet 3204, MedGen C1861451, MONDO:0008497, OMIM 185070.
Myopathy with tubular aggregates (TAM). Also called: Tubular Aggregate Myopathy. Identifiers: Orphanet 2593, MedGen C0410207, MONDO:0008051.

Submission:

Labcorp Genetics (formerly Invitae), Labcorp
Classification: Uncertain significance for Myopathy with tubular aggregates; Combined immunodeficiency due to STIM1 deficiency; Stormorken syndrome. Last evaluated: 2024-07-19. Review status: criteria provided, single submitter. Criteria: Invitae Variant Classification Sherloc (09022015). Collection method: clinical testing. Allele origin: germline.
Comment: This sequence change replaces lysine, which is basic and polar, with glutamic acid, which is acidic and polar, at codon 279 of the STIM1 protein (p.Lys279Glu). This variant is not present in population databases (gnomAD no frequency). This variant has not been reported in the literature in individuals affected with STIM1-related conditions. Advanced modeling of protein sequence and biophysical properties (such as structural, functional, and spatial information, amino acid conservation, physicochemical variation, residue mobility, and thermodynamic stability) has been performed at Invitae for this missense variant, however the output from this modeling did not meet the statistical confidence thresholds required to predict the impact of this variant on STIM1 protein function. In summary, the available evidence is currently insufficient to determine the role of this variant in disease. Therefore, it has been classified as a Variant of Uncertain Significance.